The following is an entry in ClinVar:

ClinVar aggregate classification (germline): Uncertain significance. Review status: criteria provided, multiple submitters, no conflicts (2 of 4 stars). 2 submissions from 2 submitters: Uncertain significance (2). Last evaluated 2021-09-01.

Allele frequency attached by ClinVar (database versions not stated): gnomAD 0.00001; TOPMed 0.00001; ExAC 0.00002; gnomAD exomes 0.00002 and 0.00004; ESP Exome Variant Server 0.00008.
gnomAD v4.1: 52 of 1,614,074 alleles (0.0032%); highest among the groups gnomAD compares: South Asian, 0.0055%; no homozygotes.

Submissions (2):

Labcorp Genetics (formerly Invitae), Labcorp
Classification: Uncertain significance. Last evaluated: 2021-09-01. Review status: criteria provided, single submitter. Criteria: Invitae Variant Classification Sherloc (09022015). Collection method: clinical testing. Allele origin: germline.
Comment: This sequence change replaces leucine with serine at codon 63 of the MERTK protein (p.Leu63Ser). The leucine residue is moderately conserved and there is a large physicochemical difference between leucine and serine. This variant is present in population databases (rs140848545, ExAC 0.01%). This variant has not been reported in the literature in individuals affected with MERTK-related conditions. Algorithms developed to predict the effect of missense changes on protein structure and function output the following: SIFT: "Tolerated"; PolyPhen-2: "Benign"; Align-GVGD: "Class C0". The serine amino acid residue is found in multiple mammalian species, which suggests that this missense change does not adversely affect protein function. In summary, the available evidence is currently insufficient to determine the role of this variant in disease. Therefore, it has been classified as a Variant of Uncertain Significance.

GeneDx
Classification: Uncertain significance. Last evaluated: 2019-04-29. Review status: criteria provided, single submitter. Criteria: GeneDx Variant Classification Process June 2021. Collection method: clinical testing. Allele origin: germline. Affected: yes.
Comment: In silico analysis, which includes protein predictors and evolutionary conservation, supports that this variant does not alter protein structure/function; Has not been previously published as pathogenic or benign to our knowledge

NM_006343.3(MERTK):c.188T>C (p.Leu63Ser)

Gene: MERTK (MER proto-oncogene, tyrosine kinase; plus strand). Cytogenetic location: 2q13.
Variant type: single nucleotide variant.
Coding change: c.188T>C on transcript NM_006343.3 (MANE Select); coding-DNA position 188, T replaced by C.
Protein change: p.Leu63Ser; replaces leucine 63 with serine.
Molecular consequence: missense variant.
Genome position (GRCh38, 1-based): chr2:111,929,246, T>C. VCF-style: chr2-111929246-T-C. GRCh37 (hg19) VCF-style: chr2-112686823-T-C.
Other names: short protein forms L63S.
Identifiers: ClinVar variation 1305277 (VCV001305277.6), dbSNP rs140848545, ClinGen allele CA1830993.